The following is an entry in ClinVar:

ClinVar aggregate classification (germline): Uncertain significance (1 of 4 stars; one submission).

gnomAD v4.1: 29 of 1,570,090 alleles (0.0018%); highest among the groups gnomAD compares: African/African-American, 0.033%; no homozygotes.

Submission:

Ambry Genetics
Classification: Uncertain significance. Last evaluated: 2026-09-02. Review status: criteria provided, single submitter. Criteria: Ambry Variant Classification Scheme 2023. Collection method: clinical testing. Allele origin: germline.
Comment: The c.166G>A (p.A56T) alteration is located in exon 1 (coding exon 1) of the DDX54 gene. This alteration results from a G to A substitution at nucleotide position 166, causing the alanine (A) at amino acid position 56 to be replaced by a threonine (T). Based on data from gnomAD, the A allele has an overall frequency of 0.005% (11/226562) total alleles studied. The highest observed frequency was 0.052% (10/19384) of African alleles. Based on insufficient or conflicting evidence, the clinical significance of this alteration remains unclear.

NM_024072.4(DDX54):c.166G>A (p.Ala56Thr)

Gene: DDX54 (DEAD-box helicase 54; minus strand). Cytogenetic location: 12q24.13.
Variant type: single nucleotide variant.
Coding change: c.166G>A on transcript NM_024072.4 (MANE Select); coding-DNA position 166, G replaced by A.
Protein change: p.Ala56Thr; replaces alanine 56 with threonine.
Molecular consequence: missense variant.
Genome position (GRCh38, 1-based): chr12:113,185,286, C>T on the plus strand (G>A on the coding strand, the complement: DDX54 is on the minus strand). VCF-style: chr12-113185286-C-T. GRCh37 (hg19) VCF-style: chr12-113623091-C-T.
Other names: c.166G>A, p.Ala56Thr (NM_001111322.2); short protein forms A56T.
Identifiers: ClinVar variation 3271374 (VCV003271374.2).